The following is an entry in ClinVar:

NM_001854.4(COL11A1):c.3080G>A (p.Gly1027Asp)

Gene: COL11A1 (collagen type XI alpha 1 chain; minus strand). Cytogenetic location: 1p21.1.
Variant type: single nucleotide variant.
Coding change: c.3080G>A on transcript NM_001854.4 (MANE Select); coding-DNA position 3080, G replaced by A.
Protein change: p.Gly1027Asp; replaces glycine 1027 with aspartic acid.
Molecular consequence: missense variant. On other transcripts: non-coding transcript variant (1).
Genome position (GRCh38, 1-based): chr1:102,962,210, C>T on the plus strand (G>A on the coding strand, the complement: COL11A1 is on the minus strand). VCF-style: chr1-102962210-C-T. GRCh37 (hg19) VCF-style: chr1-103427766-C-T.
Other names: c.2963G>A, p.Gly988Asp (NM_001190709.2); c.3116G>A, p.Gly1039Asp (NM_080629.3); c.2732G>A, p.Gly911Asp (NM_080630.4); short protein forms G1039D, G911D, G988D, G1027D.
Identifiers: ClinVar variation 4745946 (VCV004745946.1).

ClinVar aggregate classification (germline): Uncertain significance (1 of 4 stars; one submission).

Submission:

Labcorp Genetics (formerly Invitae), Labcorp
Classification: Uncertain significance. Last evaluated: 2025-02-13. Review status: criteria provided, single submitter. Criteria: Invitae Variant Classification Sherloc (09022015). Collection method: clinical testing. Allele origin: germline.
Comment: This sequence change replaces glycine, which is neutral and non-polar, with aspartic acid, which is acidic and polar, at codon 1027 of the COL11A1 protein (p.Gly1027Asp). This variant is not present in population databases (gnomAD no frequency). This variant has not been reported in the literature in individuals affected with COL11A1-related conditions. Invitae Evidence Modeling of protein sequence and biophysical properties (such as structural, functional, and spatial information, amino acid conservation, physicochemical variation, residue mobility, and thermodynamic stability) indicates that this missense variant is expected to disrupt COL11A1 protein function with a positive predictive value of 80%. In summary, the available evidence is currently insufficient to determine the role of this variant in disease. Therefore, it has been classified as a Variant of Uncertain Significance.